The following is an entry in ClinVar:

ClinVar aggregate classification (germline): Likely pathogenic (1 of 4 stars; one submission).

Conditions:
Aicardi-Goutieres syndrome 5. Identifiers: Orphanet 51, MedGen C2749659, MONDO:0013059, OMIM 612952.

Submission:

Labcorp Genetics (formerly Invitae), Labcorp
Classification: Likely pathogenic for Aicardi-Goutieres syndrome 5. Last evaluated: 2025-03-11. Review status: criteria provided, single submitter. Criteria: Invitae Variant Classification Sherloc (09022015). Collection method: clinical testing. Allele origin: germline.
Comment: This sequence change affects an acceptor splice site in intron 13 of the SAMHD1 gene. It is expected to disrupt RNA splicing. Variants that disrupt the donor or acceptor splice site typically lead to a loss of protein function (PMID: 16199547), and loss-of-function variants in SAMHD1 are known to be pathogenic (PMID: 19525956, 22461318). This variant is not present in population databases (gnomAD no frequency). This variant has not been reported in the literature in individuals affected with SAMHD1-related conditions. Algorithms developed to predict the effect of sequence changes on RNA splicing suggest that this variant may disrupt the consensus splice site. In summary, the currently available evidence indicates that the variant is pathogenic, but additional data are needed to prove that conclusively. Therefore, this variant has been classified as Likely Pathogenic.

Literature cited by the submitters: PubMed 16199547; PubMed 19525956; PubMed 22461318.

NM_015474.4(SAMHD1):c.1504-1G>C

Gene: SAMHD1 (SAM and HD domain containing deoxynucleoside triphosphate triphosphohydrolase 1; minus strand). Cytogenetic location: 20q11.23.
Variant type: single nucleotide variant.
Coding change: c.1504-1G>C on transcript NM_015474.4 (MANE Select); the canonical splice acceptor site of the intron before coding-DNA position 1504, G replaced by C.
Molecular consequence: splice acceptor variant. On other transcripts: intron variant (1).
Genome position (GRCh38, 1-based): chr20:36,898,545, C>G on the plus strand (G>C on the coding strand, the complement: SAMHD1 is on the minus strand). VCF-style: chr20-36898545-C-G. GRCh37 (hg19) VCF-style: chr20-35526948-C-G.
Other names: c.1504-586G>C (NM_001363729.2); c.1504-1G>C (NM_001363733.2).
Identifiers: ClinVar variation 4714870 (VCV004714870.1).
Genomic context (GRCh38, chr20:36,898,545, plus strand): 5'-ATAGAAGCTAACATGATCAATTGGATTCTTTTCTTGCATTCCATAATCCATGTTGATAAC[C>G]TAAATAAAAGCAATTCACAAGTAATCATATAGCAAGCAGGAGAACTGAACTCAGGGCTGT-3'